The following is an entry in ClinVar:

ClinVar aggregate classification (germline): Benign/Likely benign. Review status: criteria provided, multiple submitters, no conflicts (2 of 4 stars). 10 submissions from 9 submitters: Benign (3); Likely benign (4). 3 of the submissions do not count toward it. Last evaluated 2026-03-01.

Conditions:
Weill-Marchesani syndrome. Also called: WM Syndrome; Mesodermal dysmorphodystrophy congenital. Identifiers: Orphanet 3449, MedGen C0265313, MONDO:0018096.
Ectopia lentis 1, isolated, autosomal dominant (ECTOL1). Identifiers: Orphanet 1885, MedGen C3541518, MONDO:0007514, OMIM 129600.
Glaucoma 3, primary congenital, D. Identifiers: Orphanet 98976, MedGen C2751316, MONDO:0013122, OMIM 613086.

Allele frequency attached by ClinVar (database versions not stated): 1000 Genomes Project 0.00280; 1000 Genomes Project 30x 0.00328; gnomAD exomes 0.00769; gnomAD 0.00799 and 0.00812; TOPMed 0.00804; ExAC 0.00834; ESP Exome Variant Server 0.00984.
gnomAD v4.1: 19,137 of 1,613,692 alleles (1.2%); highest among the groups gnomAD compares: Non-Finnish European, 1.5%; 148 homozygotes.

Submissions (10):

CeGaT Center for Human Genetics Tuebingen
Classification: Benign. Last evaluated: 2026-03-01. Review status: criteria provided, single submitter. Criteria: CeGaT Center For Human Genetics Tuebingen Variant Classification Criteria Version 2. Collection method: clinical testing. Allele origin: germline. Affected: yes. Observed: 4 variant alleles.
Comment: LTBP2: BP4, BS1, BS2

Labcorp Genetics (formerly Invitae), Labcorp
Classification: Benign. Last evaluated: 2026-02-02. Review status: criteria provided, single submitter. Criteria: Invitae Variant Classification Sherloc (09022015). Collection method: clinical testing. Allele origin: germline.

Blueprint Genetics
Classification: Likely benign. Last evaluated: 2024-11-27. Review status: criteria provided, single submitter. Criteria: ACMG Guidelines, 2015. Collection method: clinical testing. Allele origin: germline.

GeneDx
Classification: Likely benign. Last evaluated: 2024-03-20. Review status: criteria provided, single submitter. Criteria: GeneDx Variant Classification Process June 2021. Collection method: clinical testing. Allele origin: germline. Affected: yes.
Comment: See Variant Classification Assertion Criteria.

Illumina Laboratory Services, Illumina
Classification: Benign for Weill-Marchesani syndrome. Last evaluated: 2018-01-15. Review status: criteria provided, single submitter. Criteria: ICSL Variant Classification Criteria 13 December 2019. Collection method: clinical testing. Allele origin: germline.
Comment: This variant was observed as part of a predisposition screen in an ostensibly healthy population. A literature search was performed for the gene, cDNA change, and amino acid change (where applicable). No publications were found based on this search. Allele frequency data from public databases was too high to be consistent with this variant causing disease. Therefore, this variant is classified as benign.

Illumina Laboratory Services, Illumina
Classification: Likely benign for Glaucoma 3, primary congenital, D. Last evaluated: 2017-04-27. Review status: criteria provided, single submitter. Criteria: ICSL Variant Classification Criteria 13 December 2019. Collection method: clinical testing. Allele origin: germline.
Comment: This variant was observed as part of a predisposition screen in an ostensibly healthy population. A literature search was performed for the gene, cDNA change, and amino acid change (where applicable). Publications were found based on this search. The evidence from the literature, in combination with allele frequency data from public databases where available, was sufficient to determine this variant is unlikely to cause disease. Therefore, this variant is classified as likely benign.

Breakthrough Genomics
Classification: Likely benign. Review status: criteria provided, single submitter. Criteria: ACMG Guidelines, 2015. Collection method: not provided. Allele origin: germline. Inheritance: Autosomal recessive inheritance. Affected: yes.

Elahi Laboratory, University of Tehran
Classification: Benign for Ectopia lentis, isolated, autosomal dominant. Review status: no assertion criteria provided. Collection method: not provided. Allele origin: unknown. Not counted in ClinVar's aggregate classification.
ClinVar note: Converted during submission from non-pathogenic to Benign.

Genome Diagnostics Laboratory, Amsterdam University Medical Center
Classification: Benign. Review status: no assertion criteria provided. Collection method: clinical testing. Allele origin: germline. Affected: yes. Study: VKGL Data-share Consensus. Not counted in ClinVar's aggregate classification.

Laboratory of Diagnostic Genome Analysis, Leiden University Medical Center (LUMC)
Classification: Likely benign. Review status: no assertion criteria provided. Collection method: clinical testing. Allele origin: germline. Affected: yes. Study: VKGL Data-share Consensus. Not counted in ClinVar's aggregate classification.

Literature cited by the submitters: PubMed 23401661 (cited by Illumina Laboratory Services, Illumina); PubMed 23218701 (cited by Illumina Laboratory Services, Illumina).

NM_000428.3(LTBP2):c.1553G>T (p.Ser518Ile)

Gene: LTBP2 (latent transforming growth factor beta binding protein 2; minus strand). Cytogenetic location: 14q24.3.
Variant type: single nucleotide variant.
Coding change: c.1553G>T on transcript NM_000428.3 (MANE Select); coding-DNA position 1553, G replaced by T.
Protein change: p.Ser518Ile; replaces serine 518 with isoleucine.
Molecular consequence: missense variant.
Genome position (GRCh38, 1-based): chr14:74,551,197, C>A on the plus strand (G>T on the coding strand, the complement: LTBP2 is on the minus strand). VCF-style: chr14-74551197-C-A. GRCh37 (hg19) VCF-style: chr14-75017900-C-A.
Other names: short protein forms S518I.
Identifiers: ClinVar variation 126951 (VCV000126951.36), dbSNP rs137854857, ClinGen allele CA281451.